The following is an entry in ClinVar:

NM_000834.5(GRIN2B):c.1498G>T (p.Glu500Ter)

Gene: GRIN2B (glutamate ionotropic receptor NMDA type subunit 2B; minus strand). Cytogenetic location: 12p13.1.
Variant type: single nucleotide variant.
Coding change: c.1498G>T on transcript NM_000834.5 (MANE Select); coding-DNA position 1498, G replaced by T.
Protein change: p.Glu500Ter; replaces glutamic acid 500 with a stop codon.
Molecular consequence: nonsense.
Genome position (GRCh38, 1-based): chr12:13,615,495, C>A on the plus strand (G>T on the coding strand, the complement: GRIN2B is on the minus strand). VCF-style: chr12-13615495-C-A. GRCh37 (hg19) VCF-style: chr12-13768429-C-A.
Other names: c.1498G>T, p.Glu500Ter (NM_001413992.1); short protein forms E500*.
Identifiers: ClinVar variation 4292039 (VCV004292039.1).

ClinVar aggregate classification (germline): Likely pathogenic (1 of 4 stars; one submission).

Conditions:
Developmental and epileptic encephalopathy, 27 (DEE27). Also called: Epileptic encephalopathy, early infantile, 27; GRIN2B-Related Neurodevelopmental Disorder. Identifiers: Orphanet 3451, MedGen C4015316, MONDO:0014505, OMIM 616139.

Submission:

3billion
Classification: Likely pathogenic for Developmental and epileptic encephalopathy, 27. Last evaluated: 2024-06-24. Review status: criteria provided, single submitter. Criteria: ACMG Guidelines, 2015. Collection method: clinical testing. Allele origin: germline. Affected: yes.
Comment: The variant is not observed in the gnomAD v4.0.0 dataset. Predicted Consequence/Location: Stop-gained (nonsense): predicted to result in a loss or disruption of normal protein function through nonsense-mediated decay (NMD) or protein truncation. Multiple pathogenic variants are reported downstream of the variant. Therefore, this variant is classified as Likely pathogenic according to the recommendation of ACMG/AMP guideline.